The following is an entry in ClinVar:

NM_020738.4(KIDINS220):c.844G>C (p.Val282Leu)

Gene: KIDINS220 (kinase D interacting substrate 220; minus strand). Cytogenetic location: 2p25.1.
Variant type: single nucleotide variant.
Coding change: c.844G>C on transcript NM_020738.4 (MANE Select); coding-DNA position 844, G replaced by C.
Protein change: p.Val282Leu; replaces valine 282 with leucine.
Molecular consequence: missense variant. On other transcripts: non-coding transcript variant (2).
Genome position (GRCh38, 1-based): chr2:8,800,456, C>G on the plus strand (G>C on the coding strand, the complement: KIDINS220 is on the minus strand). VCF-style: chr2-8800456-C-G. GRCh37 (hg19) VCF-style: chr2-8940586-C-G.
Other names: c.847G>C, p.Val283Leu (NM_001348729.2, NM_001348731.2, NM_001348734.2 and 3 more transcripts); c.844G>C, p.Val282Leu (NM_001348732.2, NM_001348735.2, NM_001348738.2 and 3 more transcripts); c.718G>C, p.Val240Leu (NM_001348736.2); short protein forms V282L, V283L, V240L.
Identifiers: ClinVar variation 2780607 (VCV002780607.3), dbSNP rs2528136477, ClinGen allele CA345772324.

ClinVar aggregate classification (germline): Uncertain significance (1 of 4 stars; one submission).

Allele frequency attached by ClinVar (database versions not stated): gnomAD exomes below 0.00001.
gnomAD v4.1: 2 of 1,613,544 alleles (0.00012%); highest among the groups gnomAD compares: Non-Finnish European, 0.000085%; no homozygotes.

Submission:

Labcorp Genetics (formerly Invitae), Labcorp
Classification: Uncertain significance. Last evaluated: 2026-01-05. Review status: criteria provided, single submitter. Criteria: Invitae Variant Classification Sherloc (09022015). Collection method: clinical testing. Allele origin: germline.
Comment: This sequence change replaces valine, which is neutral and non-polar, with leucine, which is neutral and non-polar, at codon 282 of the KIDINS220 protein (p.Val282Leu). This variant is not present in population databases (gnomAD no frequency). This variant has not been reported in the literature in individuals affected with KIDINS220-related conditions. ClinVar contains an entry for this variant (Variation ID: 2780607). An algorithm developed to predict the effect of missense changes on protein structure and function (PolyPhen-2) suggests that this variant is likely to be disruptive. In summary, the available evidence is currently insufficient to determine the role of this variant in disease. Therefore, it has been classified as a Variant of Uncertain Significance.